The following is an entry in ClinVar:

NM_001267550.2(TTN):c.78728_78731del (p.Lys26243fs)

Genes: TTN (titin; minus strand), TTN-AS1 (TTN antisense RNA 1; plus strand). Cytogenetic location: 2q31.2.
Variant type: Deletion.
Coding change: c.78728_78731del on transcript NM_001267550.2 (MANE Select); coding-DNA positions 78728 to 78731, 4 bases deleted (AGAA; older notation c.78728_78731delAGAA).
Protein change: p.Lys26243fs; shifts the reading frame from lysine 26243.
Molecular consequence: frameshift variant.
Genome position (GRCh38, 1-based): chr2:178,567,401-178,567,404, TTCT deleted on the plus strand (AGAA on the coding strand, the reverse complement: TTN is on the minus strand); deleting any 4 consecutive bases within chr2:178,567,401-178,567,406 gives the same sequence; the c. name uses the placement nearest the transcript's 3' end. VCF-style (leftmost placement, unchanged base first): chr2-178567400-GTTCT-G. GRCh37 (hg19) VCF-style: chr2-179432127-GTTCT-G.
Other names: c.51533_51536delAGAA (NM_003319.4); c.73805_73808del, p.Lys24602fs (NM_001256850.1); c.51533_51536del, p.Lys17178fs (NM_003319.4); c.71024_71027del, p.Lys23675fs (NM_133378.4); c.51908_51911del, p.Lys17303fs (NM_133432.3); c.52109_52112del, p.Lys17370fs (NM_133437.4); c.78728_78731delAGAA (NM_001267550.2); short protein forms K17178fs, K17303fs, K17370fs, K23675fs, K24602fs, K26243fs.
Identifiers: ClinVar variation 2630672 (VCV002630672.2), dbSNP rs2468321548, ClinGen allele CA2586965218.

ClinVar aggregate classification (germline): Likely pathogenic. Review status: criteria provided, multiple submitters, no conflicts (2 of 4 stars). 2 submissions from 2 submitters: Likely pathogenic (2). Last evaluated 2024-12-02.

Conditions:
Cardiovascular phenotype. Identifiers: MedGen CN230736.
TTN-related disorder. Also called: TTN-related condition; TTN-related disease; TTN-related disorders.

Submissions (2):

Ambry Genetics
Classification: Likely pathogenic for Cardiovascular phenotype. Last evaluated: 2024-12-02. Review status: criteria provided, single submitter. Criteria: Ambry Variant Classification Scheme 2023. Collection method: clinical testing. Allele origin: germline.
Comment: The c.51533_51536delAGAA variant, located in coding exon 153 of the TTN gene, results from a deletion of 4 nucleotides at nucleotide positions 51533 to 51536, causing a translational frameshift with a predicted alternate stop codon (p.K17178Tfs*10). This exon is located in the A-band region of the N2-B isoform of the titin protein and is constitutively expressed in TTN transcripts (percent spliced in or PSI 100%). This variant has been reported in a dilated cardiomyopathy (DCM) cohort (Xiao L et al. Front Cardiovasc Med, 2021 Apr;8:657689). This alteration is expected to result in loss of function by premature protein truncation or nonsense-mediated mRNA decay. While truncating variants in TTN are present in 1-3% of the general population, truncating variants in the A-band are the most common cause of dilated cardiomyopathy (DCM) (Herman DS et al. N. Engl. J. Med., 2012 Feb;366:619-28; Roberts AM et al. Sci Transl Med, 2015 Jan;7:270ra6). TTN truncating variants encoded in constitutive exons (PSI >90%) have been found to be significantly associated with DCM regardless of their position in titin (Schafer S et al. Nat. Genet., 2017 01;49:46-53). This variant is considered to be rare based on population cohorts in the Genome Aggregation Database (gnomAD). Based on the majority of available evidence to date, this variant is likely to be pathogenic.

PreventionGenetics, part of Exact Sciences
Classification: Likely pathogenic for TTN-related condition. Last evaluated: 2023-09-13. Review status: criteria provided, single submitter. Criteria: ACMG Guidelines, 2015. Collection method: clinical testing. Allele origin: germline.
Comment: The TTN c.78728_78731delAGAA variant is predicted to result in a frameshift and premature protein termination (p.Lys26243Thrfs*10). To our knowledge, this variant has not been reported in the literature or in a large population database, indicating this variant is rare. Many other truncating variants in this exon have been reported in individuals with cardiomyopathy (Roberts AM et al 2015. PubMed ID: 25589632). The c.78728_78731del variant is located in the A-band region of the TTN protein and several other truncating variants in this exon have previously been reported to be pathogenic for recessive and dominant TTN-related disorders including dilated cardiomyopathy, centronuclear myopathy, and muscular dystrophy (Human Gene Mutation Database). RNAseq studies from heart tissue indicate this exon is commonly included in TTN mRNA transcripts (PSI of 100%); however, this analysis in muscle tissue was not performed (Roberts A.M. et al. 2015. PMID: 25589632). TTN truncating variants are reported in 1-2% of presumably healthy individuals and occur more frequently in exons with low PSI values, indicating this variant is more likely to be disease causing (Roberts A.M. et al. 2015. PMID: 25589632; Herman D.S. et al. 2012. PMID: 22335739). In summary, the c.78728_78731del variant is categorized as likely pathogenic for TTN-related disorders.

Literature cited by the submitters: PubMed 33996946 (cited by Ambry Genetics).